The following is an entry in ClinVar:

ClinVar aggregate classification (germline): Uncertain significance (1 of 4 stars; one submission).

Conditions:
Mendelian susceptibility to mycobacterial diseases due to complete ISG15 deficiency. Also called: IMMUNODEFICIENCY 38, MYCOBACTERIOSIS, AUTOSOMAL RECESSIVE; ISG15 DEFICIENCY, AUTOSOMAL RECESSIVE; Immunodeficiency 38; Immunodeficiency 38 with basal ganglia calcification. Identifiers: Orphanet 319563, MedGen C4015293, MONDO:0014502, OMIM 616126.

Allele frequency attached by ClinVar (database versions not stated): gnomAD exomes below 0.00001 and 0.00001; TOPMed below 0.00001; gnomAD 0.00001.
gnomAD v4.1: 19 of 1,613,468 alleles (0.0012%); highest among the groups gnomAD compares: Non-Finnish European, 0.0014%; no homozygotes.

Submission:

Labcorp Genetics (formerly Invitae), Labcorp
Classification: Uncertain significance for Mendelian susceptibility to mycobacterial diseases due to complete ISG15 deficiency. Last evaluated: 2021-12-22. Review status: criteria provided, single submitter. Criteria: Invitae Variant Classification Sherloc (09022015). Collection method: clinical testing. Allele origin: germline.
Comment: This sequence change replaces leucine, which is neutral and non-polar, with proline, which is neutral and non-polar, at codon 85 of the ISG15 protein (p.Leu85Pro). This variant is present in population databases (no rsID available, gnomAD 0.0009%). This variant has not been reported in the literature in individuals affected with ISG15-related conditions. Algorithms developed to predict the effect of missense changes on protein structure and function are either unavailable or do not agree on the potential impact of this missense change (SIFT: "Deleterious"; PolyPhen-2: "Probably Damaging"; Align-GVGD: "Class C15"). In summary, the available evidence is currently insufficient to determine the role of this variant in disease. Therefore, it has been classified as a Variant of Uncertain Significance.

NM_005101.4(ISG15):c.254T>C (p.Leu85Pro)

Gene: ISG15 (ISG15 ubiquitin like modifier; plus strand). Cytogenetic location: 1p36.33.
Variant type: single nucleotide variant.
Coding change: c.254T>C on transcript NM_005101.4 (MANE Select); coding-DNA position 254, T replaced by C.
Protein change: p.Leu85Pro; replaces leucine 85 with proline.
Molecular consequence: missense variant.
Genome position (GRCh38, 1-based): chr1:1,014,234, T>C. VCF-style: chr1-1014234-T-C. GRCh37 (hg19) VCF-style: chr1-949614-T-C.
Other names: short protein forms L85P.
Identifiers: ClinVar variation 1494456 (VCV001494456.7), dbSNP rs1477663018, ClinGen allele CA337804628.